The following is an entry in ClinVar:

NM_015981.4(CAMK2A):c.1066+9G>A

Gene: CAMK2A (calcium/calmodulin dependent protein kinase II alpha; minus strand). Cytogenetic location: 5q32.
Variant type: single nucleotide variant.
Coding change: c.1066+9G>A on transcript NM_015981.4 (MANE Select); 9 bases into the intron after coding-DNA position 1066, G replaced by A.
Molecular consequence: intron variant.
Genome position (GRCh38, 1-based): chr5:150,238,691, C>T on the plus strand (G>A on the coding strand, the complement: CAMK2A is on the minus strand). VCF-style: chr5-150238691-C-T. GRCh37 (hg19) VCF-style: chr5-149618254-C-T.
Other names: c.1033+9G>A (NM_001363990.1, NM_171825.3, NM_001369025.2); c.1066+9G>A (NM_001363989.1).
Identifiers: ClinVar variation 4881099 (VCV004881099.2).

ClinVar aggregate classification (germline): Uncertain significance (1 of 4 stars; one submission).

gnomAD v4.1: 2 of 1,602,448 alleles (0.00012%); highest among the groups gnomAD compares: Non-Finnish European, 0.00017%; no homozygotes.

Submission:

Dasa
Classification: Uncertain significance. Last evaluated: 2024-10-08. Review status: criteria provided, single submitter. Criteria: DASA Assertion Criteria. Collection method: clinical testing. Allele origin: germline.
Comment: NM_015981.4(CAMK2A):c.1066+9G>A is a splice-region variant. This variant is rare in population databases. Computational prediction algorithms are consistent with a benign effect. The currently available literature and clinical evidence are not sufficient to establish a definitive association between this variant and the reported condition. Therefore, this variant is classified as a variant of uncertain significance.